The following is an entry in ClinVar:

ClinVar aggregate classification (germline): Uncertain significance (1 of 4 stars; one submission).

Conditions:
Cardiovascular phenotype. Identifiers: MedGen CN230736.

Submission:

Ambry Genetics
Classification: Uncertain significance for Cardiovascular phenotype. Last evaluated: 2025-07-29. Review status: criteria provided, single submitter. Criteria: Ambry Variant Classification Scheme 2023. Collection method: clinical testing. Allele origin: germline.
Comment: The p.S1080R variant (also known as c.3240C>G), located in coding exon 6 of the ALPK3 gene, results from a C to G substitution at nucleotide position 3240. The serine at codon 1080 is replaced by arginine, an amino acid with dissimilar properties. This amino acid position is conserved. In addition, this alteration is predicted to be tolerated by in silico analysis. Based on the available evidence, the clinical significance of this variant remains unclear.

NM_020778.5(ALPK3):c.2634C>G (p.Ser878Arg)

Gene: ALPK3 (alpha kinase 3; plus strand). Cytogenetic location: 15q25.3.
Variant type: single nucleotide variant.
Coding change: c.2634C>G on transcript NM_020778.5 (MANE Select); coding-DNA position 2634, C replaced by G.
Protein change: p.Ser878Arg; replaces serine 878 with arginine.
Molecular consequence: missense variant.
Genome position (GRCh38, 1-based): chr15:84,857,372, C>G. VCF-style: chr15-84857372-C-G. GRCh37 (hg19) VCF-style: chr15-85400603-C-G.
Other names: short protein forms S878R.
Identifiers: ClinVar variation 4089001 (VCV004089001.1).
Genomic context (GRCh38, chr15:84,857,372, plus strand): 5'-TGGCCTGAGCCAGGAGGTACCCACGATGCCTTCTCTTCCTGGAACTGGGCTGACAGCTAG[C>G]CCAAAGGCGGGGCCGTGTAGCACCCCGACTTCTCAGCACGGGAGCACAGCCACCTTCCTG-3'
Protein context (NP_065829.4, residues 868-888): PSLPGTGLTA[Ser878Arg]PKAGPCSTPT